The following is an entry in ClinVar:

NM_003906.5(MCM3AP):c.1529A>G (p.Asn510Ser)

Gene: MCM3AP (minichromosome maintenance complex component 3 associated protein; minus strand). Cytogenetic location: 21q22.3.
Variant type: single nucleotide variant.
Coding change: c.1529A>G on transcript NM_003906.5 (MANE Select); coding-DNA position 1529, A replaced by G.
Protein change: p.Asn510Ser; replaces asparagine 510 with serine.
Molecular consequence: missense variant.
Genome position (GRCh38, 1-based): chr21:46,280,131, T>C on the plus strand (A>G on the coding strand, the complement: MCM3AP is on the minus strand). VCF-style: chr21-46280131-T-C. GRCh37 (hg19) VCF-style: chr21-47700045-T-C.
Other names: short protein forms N510S.
Identifiers: ClinVar variation 1471879 (VCV001471879.6), dbSNP rs199917023, ClinGen allele CA321976630.

ClinVar aggregate classification (germline): Uncertain significance (1 of 4 stars; one submission).

Allele frequency attached by ClinVar (database versions not stated): gnomAD exomes below 0.00001; TOPMed 0.00002.
gnomAD v4.1: 7 of 1,614,136 alleles (0.00043%); highest among the groups gnomAD compares: Non-Finnish European, 0.00051%; no homozygotes.

Submission:

Labcorp Genetics (formerly Invitae), Labcorp
Classification: Uncertain significance. Last evaluated: 2021-11-26. Review status: criteria provided, single submitter. Criteria: Invitae Variant Classification Sherloc (09022015). Collection method: clinical testing. Allele origin: germline.
Comment: In summary, the available evidence is currently insufficient to determine the role of this variant in disease. Therefore, it has been classified as a Variant of Uncertain Significance. Algorithms developed to predict the effect of sequence changes on RNA splicing suggest that this variant may create or strengthen a splice site. Algorithms developed to predict the effect of missense changes on protein structure and function output the following: SIFT: "Tolerated"; PolyPhen-2: "Benign"; Align-GVGD: "Class C0". The serine amino acid residue is found in multiple mammalian species, which suggests that this missense change does not adversely affect protein function. This variant has not been reported in the literature in individuals affected with MCM3AP-related conditions. This variant is not present in population databases (gnomAD no frequency). This sequence change replaces asparagine, which is neutral and polar, with serine, which is neutral and polar, at codon 510 of the MCM3AP protein (p.Asn510Ser).